The following is an entry in ClinVar:

ClinVar aggregate classification (germline): Uncertain significance (1 of 4 stars; one submission).

Submission:

GeneDx
Classification: Uncertain significance. Last evaluated: 2025-08-11. Review status: criteria provided, single submitter. Criteria: GeneDx Variant Classification Process June 2021. Collection method: clinical testing. Allele origin: germline. Affected: yes.
Comment: Not observed at significant frequency in large population cohorts (gnomAD); In silico analysis supports a deleterious effect on splicing; In silico analysis suggests that this missense variant does not alter protein structure/function; Has not been previously published as pathogenic or benign to our knowledge

NM_016333.4(SRRM2):c.7955C>G (p.Ala2652Gly)

Gene: SRRM2 (serine/arginine repetitive matrix 2; plus strand). Cytogenetic location: 16p13.3.
Variant type: single nucleotide variant.
Coding change: c.7955C>G on transcript NM_016333.4 (MANE Select); coding-DNA position 7955, C replaced by G.
Protein change: p.Ala2652Gly; replaces alanine 2652 with glycine.
Molecular consequence: missense variant.
Genome position (GRCh38, 1-based): chr16:2,769,218, C>G. VCF-style: chr16-2769218-C-G. GRCh37 (hg19) VCF-style: chr16-2819219-C-G.
Other names: short protein forms A2652G.
Identifiers: ClinVar variation 4795591 (VCV004795591.1).